The following is an entry in ClinVar:

NM_002432.3(MNDA):c.23T>C (p.Ile8Thr)

Gene: MNDA (myeloid cell nuclear differentiation antigen; plus strand). Cytogenetic location: 1q23.1.
Variant type: single nucleotide variant.
Coding change: c.23T>C on transcript NM_002432.3 (MANE Select); coding-DNA position 23, T replaced by C.
Protein change: p.Ile8Thr; replaces isoleucine 8 with threonine.
Molecular consequence: missense variant.
Genome position (GRCh38, 1-based): chr1:158,842,176, T>C. VCF-style: chr1-158842176-T-C. GRCh37 (hg19) VCF-style: chr1-158811966-T-C.
Other names: short protein forms I8T.
Identifiers: ClinVar variation 3397272 (VCV003397272.1).

ClinVar aggregate classification (germline): Uncertain significance (1 of 4 stars; one submission).

Submission:

Ambry Genetics
Classification: Uncertain significance. Last evaluated: 2024-11-02. Review status: criteria provided, single submitter. Criteria: Ambry Variant Classification Scheme 2023. Collection method: clinical testing. Allele origin: germline.
Comment: The p.I8T variant (also known as c.23T>C), located in coding exon 1 of the MNDA gene, results from a T to C substitution at nucleotide position 23. The isoleucine at codon 8 is replaced by threonine, an amino acid with similar properties. This amino acid position is conserved. In addition, the in silico prediction for this alteration is inconclusive. Based on the available evidence, the clinical significance of this variant remains unclear.